The following is an entry in ClinVar:

NC_000016.9:g.(?_89824965)_(89833665_?)del

Gene: FANCA (FA complementation group A; minus strand). Cytogenetic location: 16q24.3.
Variant type: Deletion.
Identifiers: ClinVar variation 3243258 (VCV003243258.1).

ClinVar aggregate classification (germline): Pathogenic (1 of 4 stars; one submission).

Conditions:
Fanconi anemia (FA). Also called: Fanconi's anemia. Identifiers: Orphanet 84, MedGen C0015625, MeSH D005199, MONDO:0019391.

Submission:

Labcorp Genetics (formerly Invitae), Labcorp
Classification: Pathogenic for Fanconi anemia. Last evaluated: 2023-05-27. Review status: criteria provided, single submitter. Criteria: Invitae Variant Classification Sherloc (09022015). Collection method: clinical testing. Allele origin: unknown.
Comment: For these reasons, this variant has been classified as Pathogenic. This variant disrupts a region of the FANCA protein in which other variant(s) (Deletion Exon 30) have been determined to be pathogenic (PMID: 30792206, 32487094). This suggests that this is a clinically significant region of the protein, and that variants that disrupt it are likely to be disease-causing. This variant has not been reported in the literature in individuals affected with FANCA-related conditions. This variant is a gross deletion of the genomic region encompassing exon(s) 27-30 of the FANCA gene. This variant would be expected to be in-frame, preserving the integrity of the reading frame.

Literature cited by the submitters: PubMed 30792206; PubMed 32487094.